The following is an entry in ClinVar:

ClinVar aggregate classification (germline): Uncertain significance. Review status: criteria provided, multiple submitters, no conflicts (2 of 4 stars). 3 submissions from 3 submitters: Uncertain significance (3). Last evaluated 2022-02-24.

Conditions:
Diaphanospondylodysostosis. Also called: VERTEBRAL OSSIFICATION, DEFECT IN, WITH NEPHROGENIC RESTS. Identifiers: Orphanet 66637, MedGen C1842691, MONDO:0011946, OMIM 608022.

Allele frequency attached by ClinVar (database versions not stated): gnomAD exomes 0.00003 and 0.00010; gnomAD 0.00005; TOPMed 0.00005; ExAC 0.00008.
gnomAD v4.1: 45 of 1,613,910 alleles (0.0028%); highest among the groups gnomAD compares: East Asian, 0.058%; no homozygotes.

Submissions (3):

Labcorp Genetics (formerly Invitae), Labcorp
Classification: Uncertain significance. Last evaluated: 2022-02-24. Review status: criteria provided, single submitter. Criteria: Invitae Variant Classification Sherloc (09022015). Collection method: clinical testing. Allele origin: germline.
Comment: In summary, the available evidence is currently insufficient to determine the role of this variant in disease. Therefore, it has been classified as a Variant of Uncertain Significance. Algorithms developed to predict the effect of sequence changes on RNA splicing suggest that this variant may create or strengthen a splice site. Algorithms developed to predict the effect of missense changes on protein structure and function (SIFT, PolyPhen-2, Align-GVGD) all suggest that this variant is likely to be disruptive. ClinVar contains an entry for this variant (Variation ID: 911174). This variant has not been reported in the literature in individuals affected with BMPER-related conditions. This variant is present in population databases (rs201578248, gnomAD 0.1%). This sequence change replaces arginine, which is basic and polar, with glutamine, which is neutral and polar, at codon 685 of the BMPER protein (p.Arg685Gln).

Illumina Laboratory Services, Illumina
Classification: Uncertain significance for Diaphanospondylodysostosis. Last evaluated: 2018-04-20. Review status: criteria provided, single submitter. Criteria: ICSL Variant Classification Criteria 13 December 2019. Collection method: clinical testing. Allele origin: germline.

Juno Genomics, Hangzhou Juno Genomics, Inc
Classification: Uncertain significance for Diaphanospondylodysostosis. Review status: criteria provided, single submitter. Criteria: ACMG Guidelines, 2015. Collection method: clinical testing. Allele origin: germline.
Comment: Absent from controls (or at extremely low frequency if recessive) in Genome Aggregation Database.

NM_001365308.1(BMPER):c.2054G>A (p.Arg685Gln)

Gene: BMPER (BMP binding endothelial regulator; plus strand). Cytogenetic location: 7p14.3.
Variant type: single nucleotide variant.
Coding change: c.2054G>A on transcript NM_001365308.1 (MANE Select); coding-DNA position 2054, G replaced by A.
Protein change: p.Arg685Gln; replaces arginine 685 with glutamine.
Molecular consequence: missense variant.
Genome position (GRCh38, 1-based): chr7:34,153,269, G>A. VCF-style: chr7-34153269-G-A. GRCh37 (hg19) VCF-style: chr7-34192881-G-A.
Other names: c.2054G>A, p.Arg685Gln (NM_133468.5); short protein forms R685Q.
Identifiers: ClinVar variation 911174 (VCV000911174.8), dbSNP rs201578248, ClinGen allele CA4215596.